The following is an entry in ClinVar:

ClinVar aggregate classification (germline): Uncertain significance (1 of 4 stars; one submission).

Conditions:
2-aminoadipic 2-oxoadipic aciduria (AAKAD). Also called: ALPHA-AMINOADIPIC AND ALPHA-KETOADIPIC ACIDURIA; Aminoadipic aciduria. Identifiers: Orphanet 79154, MedGen C1859817, MONDO:0008774, OMIM 204750.

Allele frequency attached by ClinVar (database versions not stated): ExAC 0.00001; TOPMed 0.00001.

Submission:

Labcorp Genetics (formerly Invitae), Labcorp
Classification: Uncertain significance for 2-aminoadipic 2-oxoadipic aciduria. Last evaluated: 2022-09-02. Review status: criteria provided, single submitter. Criteria: Invitae Variant Classification Sherloc (09022015). Collection method: clinical testing. Allele origin: germline.
Comment: Variants that disrupt the consensus splice site are a relatively common cause of aberrant splicing (PMID: 17576681, 9536098). Algorithms developed to predict the effect of sequence changes on RNA splicing suggest that this variant is not likely to affect RNA splicing. In summary, the available evidence is currently insufficient to determine the role of this variant in disease. Therefore, it has been classified as a Variant of Uncertain Significance. This variant has not been reported in the literature in individuals affected with DHTKD1-related conditions. This variant is present in population databases (rs780133904, gnomAD 0.007%). This sequence change falls in intron 5 of the DHTKD1 gene. It does not directly change the encoded amino acid sequence of the DHTKD1 protein. It affects a nucleotide within the consensus splice site.

Literature cited by the submitters: PubMed 17576681; PubMed 9536098.

NM_018706.7(DHTKD1):c.987+4C>T

Gene: DHTKD1 (dehydrogenase E1 and transketolase domain containing 1; plus strand). Cytogenetic location: 10p14.
Variant type: single nucleotide variant.
Coding change: c.987+4C>T on transcript NM_018706.7 (MANE Select); 4 bases into the intron after coding-DNA position 987, C replaced by T.
Molecular consequence: intron variant.
Genome position (GRCh38, 1-based): chr10:12,089,259, C>T. VCF-style: chr10-12089259-C-T. GRCh37 (hg19) VCF-style: chr10-12131258-C-T.
Identifiers: ClinVar variation 2198681 (VCV002198681.4), dbSNP rs780133904, ClinGen allele CA5407704.